The following is an entry in ClinVar:

ClinVar aggregate classification (germline): Likely benign. Review status: criteria provided, multiple submitters, no conflicts (2 of 4 stars). 3 submissions from 3 submitters: Likely benign (3). Last evaluated 2026-01-12.

Conditions:
Hereditary cancer-predisposing syndrome. Also called: Neoplastic Syndromes, Hereditary; Tumor predisposition; Hereditary neoplastic syndrome; Hereditary Cancer Syndrome. Identifiers: Orphanet 140162, MedGen C0027672, MeSH D009386, MONDO:0015356.
Gorlin syndrome. Also called: Nevoid Basal Cell Carcinoma Syndrome; Basal cell nevus syndrome. Identifiers: Orphanet 377, MedGen C0004779, MONDO:0007187.

gnomAD v4.1: 13 of 1,612,966 alleles (0.00081%); highest among the groups gnomAD compares: Non-Finnish European, 0.000085%; no homozygotes.

Submissions (3):

Labcorp Genetics (formerly Invitae), Labcorp
Classification: Likely benign for Gorlin syndrome. Last evaluated: 2026-01-12. Review status: criteria provided, single submitter. Criteria: Invitae Variant Classification Sherloc (09022015). Collection method: clinical testing. Allele origin: germline.

CeGaT Center for Human Genetics Tuebingen
Classification: Likely benign. Last evaluated: 2025-11-01. Review status: criteria provided, single submitter. Criteria: CeGaT Center For Human Genetics Tuebingen Variant Classification Criteria Version 2. Collection method: clinical testing. Allele origin: germline. Affected: yes. Observed: 1 variant allele.
Comment: PTCH1: BP4, BP7

Ambry Genetics
Classification: Likely benign for Hereditary cancer-predisposing syndrome. Last evaluated: 2019-09-24. Review status: criteria provided, single submitter. Criteria: Ambry Variant Classification Scheme 2023. Collection method: clinical testing. Allele origin: germline.

NM_000264.5(PTCH1):c.4080C>A (p.Ser1360=)

Gene: PTCH1 (patched 1; minus strand). Cytogenetic location: 9q22.32.
Variant type: single nucleotide variant.
Coding change: c.4080C>A on transcript NM_000264.5 (MANE Select); coding-DNA position 4080, C replaced by A.
Protein change: p.Ser1360=; no amino-acid change (serine 1360 retained).
Molecular consequence: synonymous variant. On other transcripts: non-coding transcript variant (1).
Genome position (GRCh38, 1-based): chr9:95,447,176, G>T on the plus strand (C>A on the coding strand, the complement: PTCH1 is on the minus strand). VCF-style: chr9-95447176-G-T. GRCh37 (hg19) VCF-style: chr9-98209458-G-T.
Other names: c.3882C>A, p.Ser1294= (NM_001083602.3); c.4077C>A, p.Ser1359= (NM_001083603.3); c.3627C>A, p.Ser1209= (NM_001083604.3, NM_001083605.3, NM_001083606.3 and 1 more transcripts); c.3924C>A, p.Ser1308= (NM_001354918.2).
Identifiers: ClinVar variation 699824 (VCV000699824.21), dbSNP rs62637631, ClinGen allele CA5137960.